The following is an entry in ClinVar:

NM_000271.5(NPC1):c.890A>G (p.Tyr297Cys)

Gene: NPC1 (NPC intracellular cholesterol transporter 1; minus strand). Cytogenetic location: 18q11.2.
Variant type: single nucleotide variant.
Coding change: c.890A>G on transcript NM_000271.5 (MANE Select); coding-DNA position 890, A replaced by G.
Protein change: p.Tyr297Cys; replaces tyrosine 297 with cysteine.
Molecular consequence: missense variant.
Genome position (GRCh38, 1-based): chr18:23,557,182, T>C on the plus strand (A>G on the coding strand, the complement: NPC1 is on the minus strand). VCF-style: chr18-23557182-T-C. GRCh37 (hg19) VCF-style: chr18-21137146-T-C.
Other names: short protein forms Y297C.
Identifiers: ClinVar variation 1408921 (VCV001408921.5), dbSNP rs776844130, ClinGen allele CA8913597.

ClinVar aggregate classification (germline): Uncertain significance (1 of 4 stars; one submission).

Conditions:
Niemann-Pick disease, type C1. Also called: NIEMANN-PICK DISEASE, VARIANT TYPE C1; NEUROVISCERAL STORAGE DISEASE WITH VERTICAL SUPRANUCLEAR OPHTHALMOPLEGIA; NIEMANN-PICK DISEASE WITH CHOLESTEROL ESTERIFICATION BLOCK; NIEMANN-PICK DISEASE WITHOUT SPHINGOMYELINASE DEFICIENCY; NIEMANN-PICK DISEASE, CHRONIC NEURONOPATHIC FORM. Identifiers: Orphanet 646, MedGen C3179455, MONDO:0009757, OMIM 257220.

gnomAD v4.1: 2 of 1,612,764 alleles (0.00012%); highest among the groups gnomAD compares: Non-Finnish European, 0.000085%; no homozygotes.

Submission:

Labcorp Genetics (formerly Invitae), Labcorp
Classification: Uncertain significance for Niemann-Pick disease, type C1. Last evaluated: 2022-07-22. Review status: criteria provided, single submitter. Criteria: Invitae Variant Classification Sherloc (09022015). Collection method: clinical testing. Allele origin: germline.
Comment: This sequence change replaces tyrosine, which is neutral and polar, with cysteine, which is neutral and slightly polar, at codon 297 of the NPC1 protein (p.Tyr297Cys). This variant is present in population databases (rs776844130, gnomAD 0.0009%). This variant has not been reported in the literature in individuals affected with NPC1-related conditions. ClinVar contains an entry for this variant (Variation ID: 1408921). Advanced modeling of protein sequence and biophysical properties (such as structural, functional, and spatial information, amino acid conservation, physicochemical variation, residue mobility, and thermodynamic stability) performed at Invitae indicates that this missense variant is not expected to disrupt NPC1 protein function. In summary, the available evidence is currently insufficient to determine the role of this variant in disease. Therefore, it has been classified as a Variant of Uncertain Significance.